The following is an entry in ClinVar:

NM_005228.5(EGFR):c.1781C>T (p.Thr594Ile)

Gene: EGFR (epidermal growth factor receptor; plus strand). Cytogenetic location: 7p11.2.
Variant type: single nucleotide variant.
Coding change: c.1781C>T on transcript NM_005228.5 (MANE Select); coding-DNA position 1781, C replaced by T.
Protein change: p.Thr594Ile; replaces threonine 594 with isoleucine.
Molecular consequence: missense variant.
Genome position (GRCh38, 1-based): chr7:55,165,338, C>T. VCF-style: chr7-55165338-C-T. GRCh37 (hg19) VCF-style: chr7-55233031-C-T.
Other names: c.1646C>T, p.Thr549Ile (NM_001346897.2, NM_001346899.2); c.1781C>T, p.Thr594Ile (NM_001346898.2, NM_201282.2, NM_201284.2); c.1622C>T, p.Thr541Ile (NM_001346900.2); c.980C>T, p.Thr327Ile (NM_001346941.2); short protein forms T327I, T594I, T541I, T549I.
Identifiers: ClinVar variation 3717412 (VCV003717412.3).

ClinVar aggregate classification (germline): Uncertain significance. Review status: criteria provided, multiple submitters, no conflicts (2 of 4 stars). 2 submissions from 2 submitters: Uncertain significance (2). Last evaluated 2025-03-20.

Conditions:
EGFR-related lung cancer (EGFR). Identifiers: MedGen CN130014.

Submissions (2):

Revvity Omics, Revvity
Classification: Uncertain significance. Last evaluated: 2025-03-20. Review status: criteria provided, single submitter. Criteria: ACMG Guidelines, 2015. Collection method: clinical testing. Allele origin: germline.

Labcorp Genetics (formerly Invitae), Labcorp
Classification: Uncertain significance for EGFR-related lung cancer. Last evaluated: 2024-02-07. Review status: criteria provided, single submitter. Criteria: Invitae Variant Classification Sherloc (09022015). Collection method: clinical testing. Allele origin: germline.
Comment: This sequence change replaces threonine, which is neutral and polar, with isoleucine, which is neutral and non-polar, at codon 594 of the EGFR protein (p.Thr594Ile). This variant is present in population databases (no rsID available, gnomAD 0.006%). This variant has not been reported in the literature in individuals affected with EGFR-related conditions. Advanced modeling of protein sequence and biophysical properties (such as structural, functional, and spatial information, amino acid conservation, physicochemical variation, residue mobility, and thermodynamic stability) performed at Invitae indicates that this missense variant is not expected to disrupt EGFR protein function with a negative predictive value of 80%. In summary, the available evidence is currently insufficient to determine the role of this variant in disease. Therefore, it has been classified as a Variant of Uncertain Significance.